The following is an entry in ClinVar:

NM_000257.4(MYH7):c.5655G>A (p.Ala1885=)

Gene: MYH7 (myosin heavy chain 7; minus strand). Cytogenetic location: 14q11.2.
Variant type: single nucleotide variant.
Coding change: c.5655G>A on transcript NM_000257.4 (MANE Select); coding-DNA position 5655, G replaced by A.
Protein change: p.Ala1885=; no amino-acid change (alanine 1885 retained).
Molecular consequence: synonymous variant.
Genome position (GRCh38, 1-based): chr14:23,414,007, C>T on the plus strand (G>A on the coding strand, the complement: MYH7 is on the minus strand). VCF-style: chr14-23414007-C-T. GRCh37 (hg19) VCF-style: chr14-23883216-C-T.
Other names: c.5655G>A (LRG_384t1).
Identifiers: ClinVar variation 378215 (VCV000378215.37), dbSNP rs753392652, ClinGen allele CA16606815.

ClinVar aggregate classification (germline): Conflicting classifications of pathogenicity. Review status: criteria provided, conflicting classifications (1 of 4 stars). 15 submissions from 11 submitters: Pathogenic (9); Likely pathogenic (4); Uncertain significance (2). Last evaluated 2026-04-13.

Conditions:
Myopathy, myosin storage, autosomal recessive (CMYO7B). Also called: CONGENITAL MYOPATHY 7B, MYOSIN STORAGE, AUTOSOMAL RECESSIVE. Identifiers: Orphanet 636970, MedGen C1850709, MONDO:0009708, OMIM 255160.
MYH7-related disorder. Also called: MYH7-related disorders; MYH7-related condition; MYH7-related disease.
Cardiomyopathy (CMYO). Also called: Cardiomyopathies. Identifiers: Orphanet 167848, MedGen C0878544, MONDO:0004994, HP:0001638. Inheritance: Various modes of inheritance.
Hypertrophic cardiomyopathy. Also called: HYPERTROPHIC MYOCARDIOPATHY. Identifiers: Orphanet 217569, MedGen C0007194, MeSH D002312, MONDO:0005045, HP:0001639.
Myosin storage myopathy (CMYO7A). Also called: MYOPATHY, HYALINE BODY, AUTOSOMAL DOMINANT; Scapuloperoneal myopathy, MYH7-related; MYOPATHY WITH LYSIS OF TYPE I MYOFIBRILS; MYH7-related late-onset scapuloperoneal muscular dystrophy; Congenital myopathy 7A, myosin storage, autosomal dominant; SCAPULOPERONEAL MUSCULAR DYSTROPHY. Identifiers: Orphanet 437572, Orphanet 636965, MedGen C1842160, MONDO:0008409, OMIM 608358.
Cardiovascular phenotype. Identifiers: MedGen CN230736.
Hypertrophic cardiomyopathy 1 (CMH1). Also called: Familial hypertrophic cardiomyopathy 1; MYH7-Related Familial Hypertrophic Cardiomyopathy. Identifiers: MedGen C3495498, MONDO:0008647, OMIM 192600.
MYH7-related skeletal myopathy. Also called: Laing distal myopathy; Myopathy, distal, 1; MYOPATHY, DISTAL, EARLY-ONSET, AUTOSOMAL DOMINANT; MYOPATHY, LATE DISTAL HEREDITARY; Laing early-onset distal myopathy. Identifiers: Orphanet 59135, MedGen C4552004, MONDO:0008050, OMIM 160500.
Dilated cardiomyopathy 1S (CMD1S). Identifiers: Orphanet 154, Orphanet 54260, MedGen C1834481, MONDO:0013262, OMIM 613426.

Allele frequency attached by ClinVar (database versions not stated): gnomAD exomes 0.00001; TOPMed 0.00002.
gnomAD v4.1: 58 of 1,614,010 alleles (0.0036%); highest among the groups gnomAD compares: Non-Finnish European, 0.0047%; no homozygotes.

Submissions 1 to 5 of 15:

Women's Health and Genetics/Laboratory Corporation of America, LabCorp
Classification: Pathogenic for Cardiomyopathy. Last evaluated: 2026-04-13. Review status: criteria provided, single submitter. Criteria: LabCorp Variant Classification Summary - May 2015. Collection method: clinical testing. Allele origin: germline.
Comment: Variant summary: MYH7 c.5655G>A (p.Ala1885Ala) alters a conserved nucleotide located close to a canonical splice site and therefore could affect mRNA splicing, leading to a significantly altered protein sequence. Several computational tools predict a significant impact on normal splicing: Four predict the variant weakens a 5' donor site. Multiple publications report experimental evidence that this variant affects mRNA splicing, resulting in exon 38 skipping, confirmed by minigene assay and cDNA sequencing (e.g. Pajusalu_2016, Fiorillo_2016, Surikova_2019). The variant allele was found at a frequency of 1.2e-05 in 251438 control chromosomes. c.5655G>A has been reported in the literature as a de novo occurrence in individuals affected with early onset of muscular weakness and delayed motor development in infancy or congenital axial and distal lower limb weakness, severe scoliosis, and left bundle block (e.g. Pajusalu_2016, Fiorillo_2016). The variant has also been reported without confirmed causality, in additional individuals affected with cardiomyopathy, delayed motor development, muscle weakness, hypertrophic cardiomyopathy, coronary artery disease, or in asymptomatic individuals (e.g. Abdulrahim_2021, Zhu_2020, Natera-deBenito_2021, Murdock_2021, Bourfiss_2022, Lacaze_2021). Together, these data indicate that the variant is likely to be associated with disease. The following publications have been ascertained in the context of this evaluation (PMID: 32792077, 36264615, 27387980, 34135346, 34363016, 33333461, 26782017, 30794915, 33240318). ClinVar contains an entry for this variant (Variation ID: 378215). Based on the evidence outlined above, the variant was classified as pathogenic.

Ambry Genetics
Classification: Pathogenic for Cardiovascular phenotype. Last evaluated: 2025-11-04. Review status: criteria provided, single submitter. Criteria: Ambry Variant Classification Scheme 2023. Collection method: clinical testing. Allele origin: germline.
Comment: The c.5655G>A pathogenic mutation (also known as p.A1885A), located in coding exon 36 of the MYH7 gene, results from a G to A substitution at nucleotide position 5655. This nucleotide substitution does not change the amino acid at codon 1885. However, this change occurs in the last base pair of coding exon 36, which makes it likely to have some effect on normal mRNA splicing. This variant was reported in individual(s) with features consistent with MYH7-related myopathies with or without cardiomyopathy; in multiple individuals, it was determined to be de novo (Pajusalu S et al. Neuromuscul. Disord., 2016 Mar;26:236-9; Fiorillo C et al. Orphanet J Rare Dis, 2016 07;11:91; Natera-de Benito D et al. Pediatr Neurol. 2021 Feb;115:50-65; external communication; Ambry internal data). RNA studies indicate that this variant disrupts normal splicing, leading to the in-frame skipping of exon 38 (Pajusalu S et al. Neuromuscul. Disord., 2016 Mar;26:236-9; Fiorillo C et al. Orphanet J Rare Dis, 2016 07;11:91; Surikova Y et al. Gene. 2019 May;697:159-164). Internal structural assessment suggests that the predicted resulting in-frame deletion would disrupt the coiled-coil formation in the Assembly Competency Domain, which appears to be critical for thick filament assembly (Sohn RL et al. J. Mol. Biol., 1997 Feb;266:317-30; Delorenzi M et al. Bioinformatics, 2002 Apr;18:617-25; Gruber M et al. J. Struct. Biol., 2006 Aug;155:140-5; Ambry internal data). Based on the supporting evidence, this alteration is interpreted as a disease-causing mutation for MYH7-related skeletal myopathy; however, the association with isolated cardiomyopathy is unclear.

Labcorp Genetics (formerly Invitae), Labcorp
Classification: Pathogenic for Hypertrophic cardiomyopathy. Last evaluated: 2025-11-03. Review status: criteria provided, single submitter. Criteria: Invitae Variant Classification Sherloc (09022015). Collection method: clinical testing. Allele origin: germline.
Comment: This sequence change affects codon 1885 of the MYH7 mRNA. It is a 'silent' change, meaning that it does not change the encoded amino acid sequence of the MYH7 protein. RNA analysis indicates that this variant induces altered splicing and likely results in a shortened protein product. This variant is present in population databases (rs753392652, gnomAD 0.003%). This variant has been observed in individual(s) with MYH7-related myopathy (PMID: 26782017, 27387980). In at least one individual the variant was observed to be de novo. ClinVar contains an entry for this variant (Variation ID: 378215). Variants that disrupt the consensus splice site are a relatively common cause of aberrant splicing (PMID: 17576681, 9536098). Studies have shown that this variant results in skipping of skipping of exon 38, but is expected to preserve the integrity of the reading-frame (PMID: 26782017, 27387980). For these reasons, this variant has been classified as Pathogenic.

GeneDx
Classification: Pathogenic. Last evaluated: 2025-08-29. Review status: criteria provided, single submitter. Criteria: GeneDx Variant Classification Process June 2021. Collection method: clinical testing. Allele origin: germline. Affected: yes.
Comment: Not observed at significant frequency in large population cohorts (gnomAD); RNA studies demonstrate a damaging effect through in-frame skipping of exon 38 (PMID: 27387980, 26782017, 30794915); This variant is associated with the following publications: (PMID: 30794915, 27387980, 26782017, 33240318, 34135346, 34363016, Li_2024_Article, 33333461, 36264615)

Color Diagnostics, LLC DBA Color Health
Classification: Uncertain significance for Cardiomyopathy. Last evaluated: 2025-03-03. Review status: criteria provided, single submitter. Criteria: ACMG Guidelines, 2015. Collection method: clinical testing. Allele origin: germline.
Comment: This synonymous variant alters the conserved c.G at the last nucleotide of exon 38 of the MYH7 gene and has been shown to cause aberrant splicing and in-frame skipping of exon 38 (p.1854_1885del) (PMID: 26782017, 27387980, 30794915). This variant is expected to result in the expression of a shortened protein missing a part of LMM domain, which is a C-terminal tail region that forms the thick filament backbone and interacts with other proteins (PMID: 25125180). This variant has been reported in two individuals affected with congenital myopathy without cardiac involvement (PMID: 26782017, 33333461) and in one individual affected with congenital myopathy with cardiac left bundle block (PMID: 27387980), and has been reported to occur de novo in two of these affected individuals (PMID: 26782017, 27387980). This variant has not been reported in individuals affected with hypertrophic cardiomyopathy. It has been observed in three asymptomatic older adults (PMID: 34135346). This variant has been identified in 3/251438 chromosomes in the general population by the Genome Aggregation Database (gnomAD). In summary, this variant may have adverse structural impact by disrupting RNA splicing, but its impact on MYH7 protein function remains unknown. While this variant has been observed in individuals with congenital myopathy, the available evidence is insufficient to determine the role of this variant in autosomal dominant hypertrophic cardiomyopathy conclusively. Therefore, this variant is classified as a Variant of Uncertain Significance.